The following is an entry in ClinVar:

NM_000051.4(ATM):c.6236T>C (p.Val2079Ala)

Genes: ATM (ATM serine/threonine kinase; plus strand), C11orf65 (chromosome 11 open reading frame 65; minus strand). Cytogenetic location: 11q22.3.
Variant type: single nucleotide variant.
Coding change: c.6236T>C on transcript NM_000051.4 (MANE Select); coding-DNA position 6236, T replaced by C.
Protein change: p.Val2079Ala; replaces valine 2079 with alanine.
Molecular consequence: missense variant. On other transcripts: intron variant (2).
Genome position (GRCh38, 1-based): chr11:108,317,410, T>C. VCF-style: chr11-108317410-T-C. GRCh37 (hg19) VCF-style: chr11-108188137-T-C.
Other names: c.6236T>C, p.Val2079Ala (NM_001351834.2); c.641-8339A>G (NM_001330368.2); c.*39-8339A>G (NM_001351110.2); short protein forms V2079A.
Identifiers: ClinVar variation 1908393 (VCV001908393.4), dbSNP rs779082836, ClinGen allele CA6265898.
Genomic context (GRCh38, chr11:108,317,410, plus strand): 5'-AAAACAAAATAACTCCTGTTTAGGCCTTGCAGAATTTGGGACTCTGCCATATTCTTTCCG[T>C]CTATTTAAAAGGATTGGATTATGAAAATAAAGACTGGTGTCCTGAACTAGAAGAACTTCA-3'
Protein context (NP_000042.3, residues 2069-2089): QNLGLCHILS[Val2079Ala]YLKGLDYENK

ClinVar aggregate classification (germline): Conflicting classifications of pathogenicity. Review status: criteria provided, conflicting classifications (1 of 4 stars). 2 submissions from 2 submitters: Uncertain significance (1); Likely benign (1). Last evaluated 2026-05-14.

Conditions:
Hereditary cancer-predisposing syndrome. Also called: Tumor predisposition; Hereditary Cancer Syndrome; Hereditary neoplastic syndrome; Neoplastic Syndromes, Hereditary. Identifiers: Orphanet 140162, MedGen C0027672, MeSH D009386, MONDO:0015356.
Ataxia-telangiectasia syndrome (AT). Also called: Ataxia-telangiectasia, complementation group D; AT, COMPLEMENTATION GROUP C; ATAXIA-TELANGIECTASIA, COMPLEMENTATION GROUP A; ATAXIA-TELANGIECTASIA, FRESNO VARIANT; Ataxia-telangiectasia, complementation group E; LOUIS-BAR SYNDROME. Identifiers: Orphanet 100, MedGen C0004135, MONDO:0008840, OMIM 208900.

Allele frequency attached by ClinVar (database versions not stated): TOPMed below 0.00001; ExAC 0.00001; gnomAD exomes 0.00001.
gnomAD v4.1: 3 of 1,612,504 alleles (0.00019%); highest among the groups gnomAD compares: South Asian, 0.0033%; no homozygotes.

Submissions (2):

Ambry Genetics
Classification: Likely benign for Hereditary cancer-predisposing syndrome. Last evaluated: 2026-05-14. Review status: criteria provided, single submitter. Criteria: Ambry Variant Classification Scheme 2023. Collection method: clinical testing. Allele origin: germline.

Labcorp Genetics (formerly Invitae), Labcorp
Classification: Uncertain significance for Ataxia-telangiectasia syndrome. Last evaluated: 2024-09-25. Review status: criteria provided, single submitter. Criteria: Invitae Variant Classification Sherloc (09022015). Collection method: clinical testing. Allele origin: germline.
Comment: This sequence change replaces valine, which is neutral and non-polar, with alanine, which is neutral and non-polar, at codon 2079 of the ATM protein (p.Val2079Ala). This variant is present in population databases (rs779082836, gnomAD 0.003%). This variant has not been reported in the literature in individuals affected with ATM-related conditions. ClinVar contains an entry for this variant (Variation ID: 1908393). An algorithm developed to predict the effect of missense changes on protein structure and function (PolyPhen-2) suggests that this variant¬†is likely to be tolerated. In summary, the available evidence is currently insufficient to determine the role of this variant in disease. Therefore, it has been classified as a Variant of Uncertain Significance.